The following is an entry in ClinVar:

ClinVar aggregate classification (germline): Pathogenic (1 of 4 stars; one submission).

Conditions:
Hereditary cancer-predisposing syndrome. Also called: Neoplastic Syndromes, Hereditary; Tumor predisposition; Hereditary Cancer Syndrome; Hereditary neoplastic syndrome. Identifiers: Orphanet 140162, MedGen C0027672, MeSH D009386, MONDO:0015356.

Submission:

Ambry Genetics
Classification: Pathogenic for Hereditary cancer-predisposing syndrome. Last evaluated: 2025-11-12. Review status: criteria provided, single submitter. Criteria: Ambry Variant Classification Scheme 2023. Collection method: clinical testing. Allele origin: germline.
Comment: The c.538delA pathogenic mutation, located in coding exon 6 of the BRCA2 gene, results from a deletion of one nucleotide at nucleotide position 538, causing a translational frameshift with a predicted alternate stop codon (p.I180Ffs*5). This variant is considered to be rare based on population cohorts in the Genome Aggregation Database (gnomAD). This alteration is expected to result in loss of function by premature protein truncation or nonsense-mediated mRNA decay. As such, this alteration is interpreted as a disease-causing mutation.

NM_000059.4(BRCA2):c.538del (p.Ile180fs)

Gene: BRCA2 (BRCA2 DNA repair associated; plus strand). Cytogenetic location: 13q13.1.
Variant type: Deletion.
Coding change: c.538del on transcript NM_000059.4 (MANE Select); coding-DNA position 538, one base deleted (A; older notation c.538delA).
Protein change: p.Ile180fs; shifts the reading frame from isoleucine 180.
Molecular consequence: frameshift variant. On other transcripts: non-coding transcript variant (1).
Genome position (GRCh38, 1-based): chr13:32,326,520, A deleted. VCF-style (leftmost placement, unchanged base first): chr13-32326519-TA-T. GRCh37 (hg19) VCF-style: chr13-32900656-TA-T.
Other names: c.169del, p.Ile57fs (NM_001406722.1); c.538del, p.Ile180fs (NM_001432077.1, NM_001406719.1, NM_001406720.1 and 1 more transcripts); short protein forms I57fs, I180fs.
Identifiers: ClinVar variation 4629145 (VCV004629145.1).